The following is an entry in ClinVar:

NM_001365951.3(KIF1B):c.439A>C (p.Met147Leu)

Gene: KIF1B (kinesin family member 1B; plus strand). Cytogenetic location: 1p36.22.
Variant type: single nucleotide variant.
Coding change: c.439A>C on transcript NM_001365951.3 (MANE Select); coding-DNA position 439, A replaced by C.
Protein change: p.Met147Leu; replaces methionine 147 with leucine.
Molecular consequence: missense variant.
Genome position (GRCh38, 1-based): chr1:10,267,389, A>C. VCF-style: chr1-10267389-A-C. GRCh37 (hg19) VCF-style: chr1-10327447-A-C.
Other names: c.439A>C, p.Met147Leu (NM_001365952.1, NM_001365953.1, NM_015074.3 and 1 more transcripts); short protein forms M147L.
Identifiers: ClinVar variation 3533912 (VCV003533912.1).

ClinVar aggregate classification (germline): Uncertain significance (1 of 4 stars; one submission).

Submission:

Ambry Genetics
Classification: Uncertain significance. Last evaluated: 2024-06-25. Review status: criteria provided, single submitter. Criteria: Ambry Variant Classification Scheme 2023. Collection method: clinical testing. Allele origin: germline.
Comment: The p.M147L variant (also known as c.439A>C), located in coding exon 5 of the KIF1B gene, results from an A to C substitution at nucleotide position 439. The methionine at codon 147 is replaced by leucine, an amino acid with highly similar properties. This amino acid position is conserved. In addition, the in silico prediction for this alteration is inconclusive. Based on the available evidence, the clinical significance of this variant remains unclear.